The following is an entry in ClinVar:

ClinVar aggregate classification (germline): Conflicting classifications of pathogenicity. Review status: criteria provided, conflicting classifications (1 of 4 stars). 9 submissions from 7 submitters: Uncertain significance (6); Benign (1); Likely benign (2). Last evaluated 2025-12-29.

Conditions:
Hereditary cancer-predisposing syndrome. Also called: Tumor predisposition; Neoplastic Syndromes, Hereditary; Hereditary Cancer Syndrome; Hereditary neoplastic syndrome. Identifiers: Orphanet 140162, MedGen C0027672, MeSH D009386, MONDO:0015356.
Cardiovascular phenotype. Identifiers: MedGen CN230736.
Neurofibromatosis, type 1 (NF1). Also called: Peripheral type neurofibromatosis; Neurofibromatosis, type I; NEUROFIBROMATOSIS, TYPE I, SOMATIC; VON RECKLINGHAUSEN DISEASE. Identifiers: Orphanet 636, MedGen C0027831, MONDO:0018975, OMIM 162200. Disease mechanism: loss of function.
Café-au-lait macules with pulmonary stenosis (WTSN). Also called: PULMONIC STENOSIS WITH CAFE-AU-LAIT SPOTS. Identifiers: MedGen C0553586, MONDO:0008672, OMIM 193520.
Neurofibromatosis-Noonan syndrome (NFNS). Also called: NEUROFIBROMATOSIS WITH NOONAN PHENOTYPE. Identifiers: Orphanet 638, MedGen C2931482, MONDO:0011035, OMIM 601321. Disease mechanism: loss of function.
Neurofibromatosis, familial spinal (FSNF). Identifiers: Orphanet 636, MedGen C1834235, MONDO:0008078, OMIM 162210. Disease mechanism: loss of function.
Juvenile myelomonocytic leukemia (JMML). Also called: LEUKEMIA, JUVENILE MYELOMONOCYTIC, SOMATIC. Identifiers: Orphanet 86834, MedGen C0349639, MONDO:0011908, OMIM 607785, HP:0012209.

Allele frequency attached by ClinVar (database versions not stated): gnomAD 0.00001; TOPMed 0.00003; ExAC 0.00004; ESP Exome Variant Server 0.00008.
gnomAD v4.1: 23 of 1,611,856 alleles (0.0014%); highest among the groups gnomAD compares: Non-Finnish European, 0.0019%; no homozygotes.

Submissions (9):

Labcorp Genetics (formerly Invitae), Labcorp
Classification: Benign for Neurofibromatosis, type 1. Last evaluated: 2025-12-29. Review status: criteria provided, single submitter. Criteria: Invitae Variant Classification Sherloc (09022015). Collection method: clinical testing. Allele origin: germline.

Quest Diagnostics Nichols Institute San Juan Capistrano
Classification: Uncertain significance. Last evaluated: 2025-01-22. Review status: criteria provided, single submitter. Criteria: Quest Diagnostics criteria. Collection method: clinical testing. Allele origin: unknown.

Ambry Genetics
Classification: Likely benign for Cardiovascular phenotype; Hereditary cancer-predisposing syndrome. Last evaluated: 2023-07-24. Review status: criteria provided, single submitter. Criteria: Ambry Variant Classification Scheme 2023. Collection method: clinical testing. Allele origin: germline.

MGZ Medical Genetics Center
Classification: Uncertain significance for Neurofibromatosis, type 1. Last evaluated: 2022-08-04. Review status: criteria provided, single submitter. Criteria: ACMG Guidelines, 2015. Collection method: clinical testing. Allele origin: germline. Affected: yes. Observed: 1 variant allele.
Comment: ACMG criteria applied: PM2_SUP, BP4

CeGaT Center for Human Genetics Tuebingen
Classification: Uncertain significance. Last evaluated: 2021-11-01. Review status: criteria provided, single submitter. Criteria: CeGaT Center For Human Genetics Tuebingen Variant Classification Criteria Version 2. Collection method: clinical testing. Allele origin: germline. Affected: yes. Observed: 1 variant allele.

GeneDx
Classification: Likely benign. Last evaluated: 2021-04-13. Review status: criteria provided, single submitter. Criteria: GeneDx Variant Classification Process June 2021. Collection method: clinical testing. Allele origin: germline. Affected: yes.
Comment: Identified in an individual with neurofibromatosis type I, co-occurring with an NF1 truncating variant (Koczkowska 2018); In silico analysis supports that this missense variant does not alter protein structure/function; This variant is associated with the following publications: (PMID: 29290338)

Center for Genomics, Ann and Robert H. Lurie Children's Hospital of Chicago
Classification: Uncertain significance for Neurofibromatosis, familial spinal; Neurofibromatosis, type 1; Neurofibromatosis-Noonan syndrome; Café-au-lait macules with pulmonary stenosis. Last evaluated: 2019-01-16. Review status: criteria provided, single submitter. Criteria: ACMG Guidelines, 2015. Collection method: clinical testing. Allele origin: germline.
Comment: NF1 NM_000267.3 exon 21 p.Ser858Cys (c.2573C>G): This variant has not been reported in the literature and is present in 0.005% (6/113248) of European alleles in the Genome Aggregation Database. This variant is present in ClinVar (Variation ID:185364). Evolutionary conservation and computational predictive tools suggest that this variant may not impact the protein. In summary, data on this variant is insufficient for disease classification. Therefore, the clinical significance of this variant is uncertain.

Ambry Genetics
Classification: Uncertain significance for Hereditary cancer-predisposing syndrome. Last evaluated: 2016-01-19. Review status: criteria provided, single submitter. Criteria: Ambry Autosomal Dominant and X-Linked criteria (10/2015). Collection method: clinical testing. Allele origin: germline. Observed: 1 variant allele.
Comment: The p.S858C variant (also known as c.2573C>G), located in coding exon 21 of the NF1 gene, results from a C to G substitution at nucleotide position 2573. The serine at codon 858 is replaced by cysteine, an amino acid with dissimilar properties. This variant was previously reported in the SNPDatabase as rs369493270. Based on data from the NHLBI Exome Sequencing Project (ESP), the G-allele has an overall frequency of approximately 0.01% (1/13002) total alleles studied,<span style="background-color:initial">having been observed in 0/4406 African American allelesand 0.01% (1/8596) European American alleles.This variant was not reported in the 1000 Genomes Project population-based cohort.<span style="background-color:initial">To date, this alteration has been detected with an allele frequency of approximately 0.004% (greater than 110000 alleles tested) in our clinical cohort.<span style="background-color:initial">This amino acid position is not wellconserved in availablevertebrate species. In addition, this alteration is predicted to be tolerated by in silico analysis.<span style="background-color:initial">Since supporting evidence is limited at this time, the clinical significance of<span style="background-color:initial">p.S858C<span style="background-color:initial">remains unclear.

Center for Genomics, Ann and Robert H. Lurie Children's Hospital of Chicago
Classification: Uncertain significance for Café-au-lait macules with pulmonary stenosis; Juvenile myelomonocytic leukemia; Neurofibromatosis, familial spinal; Neurofibromatosis, type 1; Neurofibromatosis-Noonan syndrome. Review status: criteria provided, single submitter. Criteria: ACMG Guidelines, 2015. Collection method: clinical testing. Allele origin: germline.
Comment: the same text as in the submission from Center for Genomics, Ann and Robert H. Lurie Children's Hospital of Chicago above.

NM_001042492.3(NF1):c.2573C>G (p.Ser858Cys)

Gene: NF1 (neurofibromin 1; plus strand). Cytogenetic location: 17q11.2.
Variant type: single nucleotide variant.
Coding change: c.2573C>G on transcript NM_001042492.3 (MANE Select); coding-DNA position 2573, C replaced by G.
Protein change: p.Ser858Cys; replaces serine 858 with cysteine.
Molecular consequence: missense variant.
Genome position (GRCh38, 1-based): chr17:31,229,188, C>G. VCF-style: chr17-31229188-C-G. GRCh37 (hg19) VCF-style: chr17-29556206-C-G.
Other names: c.2573C>G, p.Ser858Cys (NM_000267.4); short protein forms S858C.
Identifiers: ClinVar variation 185364 (VCV000185364.55), dbSNP rs369493270, ClinGen allele CA191732.